The following is an entry in ClinVar:

NM_015215.4(CAMTA1):c.4636C>T (p.Gln1546Ter)

Gene: CAMTA1 (calmodulin binding transcription activator 1; plus strand). Cytogenetic location: 1p36.23.
Variant type: single nucleotide variant.
Coding change: c.4636C>T on transcript NM_015215.4 (MANE Select); coding-DNA position 4636, C replaced by T.
Protein change: p.Gln1546Ter; replaces glutamine 1546 with a stop codon.
Molecular consequence: nonsense.
Genome position (GRCh38, 1-based): chr1:7,747,728, C>T. VCF-style: chr1-7747728-C-T. GRCh37 (hg19) VCF-style: chr1-7807788-C-T.
Other names: c.1369C>T, p.Gln457Ter (NM_001349622.2, NM_001349623.1, NM_001349624.3 and 5 more transcripts); c.4297C>T, p.Gln1433Ter (NM_001410737.1, NM_001349609.2, NM_001349610.2); c.4225C>T, p.Gln1409Ter (NM_001410738.1); c.4546C>T, p.Gln1516Ter (NM_001349608.2); c.4207C>T, p.Gln1403Ter (NM_001349612.2); c.1765C>T, p.Gln589Ter (NM_001349613.1); c.1708C>T, p.Gln570Ter (NM_001349614.1, NM_001349615.2, NM_001349616.2 and 2 more transcripts); short protein forms Q1403*, Q1409*, Q1433*, Q1516*, Q1546*, Q457*, Q570*, Q589*.
Identifiers: ClinVar variation 4855664 (VCV004855664.1).
Genomic context (GRCh38, chr1:7,747,728, plus strand): 5'-TTAATCATTACTGATTTTTTTTCTCCTTACTTTACCCTTAAGGGCCGACCCTTGCGGGAA[C>T]AGCAAGAAGTAGCTGCTGCTGTTATTCAGCGTTGTTACAGAAAATATAAACAGGTAAACC-3'

ClinVar aggregate classification (germline): Likely pathogenic (1 of 4 stars; one submission).

Conditions:
Cerebellar dysfunction with variable cognitive and behavioral abnormalities (CECBA). Also called: Nonprogressive cerebellar atxia with intellectual disability. Identifiers: Orphanet 314647, MedGen C3553661, MONDO:0013886, OMIM 614756.

Submission:

3billion
Classification: Likely pathogenic for Cerebellar dysfunction with variable cognitive and behavioral abnormalities. Last evaluated: 2025-09-09. Review status: criteria provided, single submitter. Criteria: ACMG Guidelines, 2015. Collection method: clinical testing. Allele origin: germline. Affected: yes.
Comment: The variant is not observed in the gnomAD v4.1.0 dataset. Predicted Consequence/Location: Stop-gained (nonsense): predicted to result in a loss or disruption of normal protein function through nonsense-mediated decay (NMD) or protein truncation. Multiple pathogenic variants are reported downstream of the variant. Therefore, this variant is classified as Likely pathogenic according to the recommendation of ACMG/AMP guideline.